The following is an entry in ClinVar:

NM_007194.4(CHEK2):c.120C>T (p.Ser40=)

Gene: CHEK2 (checkpoint kinase 2; minus strand). Cytogenetic location: 22q12.1.
Variant type: single nucleotide variant.
Coding change: c.120C>T on transcript NM_007194.4 (MANE Select); coding-DNA position 120, C replaced by T.
Protein change: p.Ser40=; no amino-acid change (serine 40 retained).
Molecular consequence: synonymous variant.
Genome position (GRCh38, 1-based): chr22:28,734,602, G>A on the plus strand (C>T on the coding strand, the complement: CHEK2 is on the minus strand). VCF-style: chr22-28734602-G-A. GRCh37 (hg19) VCF-style: chr22-29130590-G-A.
Other names: c.120C>T, p.Ser40= (NM_001005735.3, NM_001349956.3, NM_145862.3); c.-658C>T (NM_001257387.3).
Identifiers: ClinVar variation 2775079 (VCV002775079.2), dbSNP rs2146151199, ClinGen allele CA513946596.

ClinVar aggregate classification (germline): Benign/Likely benign. Review status: criteria provided, multiple submitters, no conflicts (2 of 4 stars). 2 submissions from 2 submitters: Benign (1); Likely benign (1). Last evaluated 2024-10-01.

Conditions:
Familial cancer of breast. Also called: Hereditary breast cancer; BREAST CANCER, FAMILIAL; hereditary breast carcinoma. Identifiers: Orphanet 227535, MedGen C0346153, MONDO:0016419, OMIM 114480. Disease mechanism: loss of function.
Hereditary cancer-predisposing syndrome. Also called: Neoplastic Syndromes, Hereditary; Tumor predisposition; Hereditary Cancer Syndrome; Hereditary neoplastic syndrome. Identifiers: Orphanet 140162, MedGen C0027672, MeSH D009386, MONDO:0015356.

Allele frequency attached by ClinVar (database versions not stated): gnomAD exomes below 0.00001.
gnomAD v4.1: 1 of 1,613,968 alleles (0.000062%); highest among the groups gnomAD compares: Non-Finnish European, 0.000085%; no homozygotes.

Submissions (2):

Myriad Genetics, Inc.
Classification: Benign for Familial cancer of breast. Last evaluated: 2024-10-01. Review status: criteria provided, single submitter. Criteria: Myriad Autosomal Dominant, Autosomal Recessive and X-Linked Classification Criteria (2023). Collection method: clinical testing. Allele origin: unknown.
Comment: This variant is considered benign. This variant is a silent/synonymous amino acid change and it is not expected to impact splicing.

Color Diagnostics, LLC DBA Color Health
Classification: Likely benign for Hereditary cancer-predisposing syndrome. Last evaluated: 2022-03-28. Review status: criteria provided, single submitter. Criteria: ACMG Guidelines, 2015. Collection method: clinical testing. Allele origin: germline.